The following is an entry in ClinVar:

NM_005321.3(H1-4):c.425C>T (p.Thr142Met)

Gene: H1-4 (H1.4 linker histone, cluster member; plus strand). Cytogenetic location: 6p22.2.
Variant type: single nucleotide variant.
Coding change: c.425C>T on transcript NM_005321.3 (MANE Select); coding-DNA position 425, C replaced by T.
Protein change: p.Thr142Met; replaces threonine 142 with methionine.
Molecular consequence: missense variant.
Genome position (GRCh38, 1-based): chr6:26,156,815, C>T. VCF-style: chr6-26156815-C-T. GRCh37 (hg19) VCF-style: chr6-26157043-C-T.
Other names: short protein forms T142M.
Identifiers: ClinVar variation 3058172 (VCV003058172.3), dbSNP rs755997782, ClinGen allele CA3668118.
Genomic context (GRCh38, chr6:26,156,815, plus strand): 5'-AGGCAGGCGCGGCCAAGGCCAAGAAGCCAGCAGGAGCGGCGAAGAAGCCCAAGAAGGCGA[C>T]GGGGGCGGCCACCCCCAAGAAGAGCGCCAAGAAGACCCCAAAGAAGGCGAAGAAGCCGGC-3'
Protein context (NP_005312.1, residues 132-152): AGAAKKPKKA[Thr142Met]GAATPKKSAK

ClinVar aggregate classification (germline): Likely benign. Review status: criteria provided, single submitter (1 of 4 stars). 2 submissions from 2 submitters: Likely benign (1). 1 of the submissions does not count toward it. Last evaluated 2025-04-12.

Conditions:
H1-4-related disorder. Also called: H1-4-related condition.

Allele frequency attached by ClinVar (database versions not stated): TOPMed 0.00003; ExAC 0.00011; gnomAD 0.00004.
gnomAD v4.1: 112 of 1,607,242 alleles (0.007%); highest among the groups gnomAD compares: South Asian, 0.022%; 1 homozygote.

Submissions (2):

Ambry Genetics
Classification: Likely benign. Last evaluated: 2025-04-12. Review status: criteria provided, single submitter. Criteria: Ambry Variant Classification Scheme 2023. Collection method: clinical testing. Allele origin: germline.

PreventionGenetics, part of Exact Sciences
Classification: Likely benign for H1-4-related condition. Last evaluated: 2024-02-02. Review status: no assertion criteria provided. Collection method: clinical testing. Allele origin: germline. Not counted in ClinVar's aggregate classification.
Comment: This variant is classified as likely benign based on ACMG/AMP sequence variant interpretation guidelines (Richards et al. 2015 PMID: 25741868, with internal and published modifications).